The following is an entry in ClinVar:

NM_001999.4(FBN2):c.5759A>G (p.His1920Arg)

Gene: FBN2 (fibrillin 2; minus strand). Cytogenetic location: 5q23.3.
Variant type: single nucleotide variant.
Coding change: c.5759A>G on transcript NM_001999.4 (MANE Select); coding-DNA position 5759, A replaced by G.
Protein change: p.His1920Arg; replaces histidine 1920 with arginine.
Molecular consequence: missense variant.
Genome position (GRCh38, 1-based): chr5:128,304,998, T>C on the plus strand (A>G on the coding strand, the complement: FBN2 is on the minus strand). VCF-style: chr5-128304998-T-C. GRCh37 (hg19) VCF-style: chr5-127640690-T-C.
Other names: short protein forms H1920R.
Identifiers: ClinVar variation 432891 (VCV000432891.4), dbSNP rs1554119710, ClinGen allele CA360739891.
Genomic context (GRCh38, chr5:128,304,998, plus strand): 5'-AGCCACATGCCCTTCTTACCCATGCACATGGTCTGGTCCTGAGAAGCCTTAAAGCCATTG[T>C]GGCAGATGCACTGGTAACTTCCTTGCAGATCAACACACAAGCCATGACTGCAAACGTTAG-3'
Protein context (NP_001990.2, residues 1910-1930): DLQGSYQCIC[His1920Arg]NGFKASQDQT

ClinVar aggregate classification (germline): Uncertain significance. Review status: criteria provided, multiple submitters, no conflicts (2 of 4 stars). 2 submissions from 2 submitters: Uncertain significance (2). Last evaluated 2024-12-20.

Conditions:
Congenital contractural arachnodactyly (CCA). Also called: BEALS SYNDROME; Beals-Hecht syndrome; Arthrogryposis, distal, type 9. Identifiers: Orphanet 115, MedGen C0220668, MONDO:0007363, OMIM 121050.

Allele frequency attached by ClinVar (database versions not stated): gnomAD exomes 0.00001.
gnomAD v4.1: 11 of 1,614,018 alleles (0.00068%); highest among the groups gnomAD compares: Non-Finnish European, 0.00093%; no homozygotes.

Submissions (2):

Labcorp Genetics (formerly Invitae), Labcorp
Classification: Uncertain significance for Congenital contractural arachnodactyly. Last evaluated: 2024-12-20. Review status: criteria provided, single submitter. Criteria: Invitae Variant Classification Sherloc (09022015). Collection method: clinical testing. Allele origin: germline.
Comment: This sequence change replaces histidine, which is basic and polar, with arginine, which is basic and polar, at codon 1920 of the FBN2 protein (p.His1920Arg). This variant is not present in population databases (gnomAD no frequency). This variant has not been reported in the literature in individuals affected with FBN2-related conditions. ClinVar contains an entry for this variant (Variation ID: 432891). Invitae Evidence Modeling of protein sequence and biophysical properties (such as structural, functional, and spatial information, amino acid conservation, physicochemical variation, residue mobility, and thermodynamic stability) indicates that this missense variant is not expected to disrupt FBN2 protein function with a negative predictive value of 80%. In summary, the available evidence is currently insufficient to determine the role of this variant in disease. Therefore, it has been classified as a Variant of Uncertain Significance.

GeneDx
Classification: Uncertain significance. Last evaluated: 2017-06-22. Review status: criteria provided, single submitter. Criteria: GeneDx Variant Classification (06012015). Collection method: clinical testing. Allele origin: germline. Affected: yes.
Comment: A variant of uncertain significance has been identified in the FBN2 gene. The H1920R variant has not been published as pathogenic or been reported as benign to our knowledge. This variant is not observed in large population cohorts (Lek et al., 2016; 1000 Genomes Consortium et al., 2015; Exome Variant Server). However, the H1920R variant is a conservative amino acid substitution, which is not likely to impact secondary protein structure as these residues share similar properties. This substitution occurs at a position that is not conserved across species. In silico analysis is inconsistent in its predictions as to whether or not the variant is damaging to the protein structure/function. Finally, while the H1920R variant is located within a calcium-binding EGF-like domain of the FBN2 gene, it does not affect a Cysteine residue within this domain. Cysteine substitutions in the calcium-binding EGF-like domains represent the majority of pathogenic missense changes associated with congenital contractural arachnodactyly (Collod-Beroud et al., 2003; FrÃ©dÃ©ric et al., 2009).